The following is an entry in ClinVar:

ClinVar aggregate classification (germline): Uncertain significance (1 of 4 stars; one submission).

Submission:

Labcorp Genetics (formerly Invitae), Labcorp
Classification: Uncertain significance. Last evaluated: 2024-02-05. Review status: criteria provided, single submitter. Criteria: Invitae Variant Classification Sherloc (09022015). Collection method: clinical testing. Allele origin: germline.
Comment: This sequence change replaces glutamic acid, which is acidic and polar, with lysine, which is basic and polar, at codon 330 of the SON protein (p.Glu330Lys). This variant is not present in population databases (gnomAD no frequency). This variant has not been reported in the literature in individuals affected with SON-related conditions. ClinVar contains an entry for this variant (Variation ID: 2014873). An algorithm developed to predict the effect of missense changes on protein structure and function (PolyPhen-2) suggests that this variant is likely to be disruptive. In summary, the available evidence is currently insufficient to determine the role of this variant in disease. Therefore, it has been classified as a Variant of Uncertain Significance.

NM_138927.4(SON):c.988G>A (p.Glu330Lys)

Gene: SON (SON DNA and RNA binding protein; plus strand). Cytogenetic location: 21q22.11.
Variant type: single nucleotide variant.
Coding change: c.988G>A on transcript NM_138927.4 (MANE Select); coding-DNA position 988, G replaced by A.
Protein change: p.Glu330Lys; replaces glutamic acid 330 with lysine.
Molecular consequence: missense variant. On other transcripts: non-coding transcript variant (1), intron variant (1).
Genome position (GRCh38, 1-based): chr21:33,550,219, G>A. VCF-style: chr21-33550219-G-A. GRCh37 (hg19) VCF-style: chr21-34922525-G-A.
Other names: c.988G>A, p.Glu330Lys (NM_001291411.2, NM_001412133.1, NM_032195.3 and 2 more transcripts); c.244+3840G>A (NM_001291412.3); short protein forms E330K.
Identifiers: ClinVar variation 2014873 (VCV002014873.4), dbSNP rs2517349551, ClinGen allele CA410152917.
Genomic context (GRCh38, chr21:33,550,219, plus strand): 5'-TCAGAGACACCTACTGAGGTGTACCCTGAGCCAAGCACATCAACAACAATGGATTTTCCA[G>A]AGTCATCTGCAATTGAAGCGCTAAGATTGCCAGAGCAGCCTGTAGACGTACCATCGGAGA-3'
Protein context (NP_620305.3, residues 320-340): PSTSTTMDFP[Glu330Lys]SSAIEALRLP